The following is an entry in ClinVar:

NM_014225.6(PPP2R1A):c.26C>T (p.Ser9Leu)

Gene: PPP2R1A (protein phosphatase 2 scaffold subunit Aalpha; plus strand). Cytogenetic location: 19q13.41.
Variant type: single nucleotide variant.
Coding change: c.26C>T on transcript NM_014225.6 (MANE Select); coding-DNA position 26, C replaced by T.
Protein change: p.Ser9Leu; replaces serine 9 with leucine.
Molecular consequence: missense variant. On other transcripts: non-coding transcript variant (1).
Genome position (GRCh38, 1-based): chr19:52,190,122, C>T. VCF-style: chr19-52190122-C-T. GRCh37 (hg19) VCF-style: chr19-52693375-C-T.
Other names: short protein forms S9L.
Identifiers: ClinVar variation 3217750 (VCV003217750.3), dbSNP rs1441792685, ClinGen allele CA407178481.

ClinVar aggregate classification (germline): Uncertain significance. Review status: criteria provided, multiple submitters, no conflicts (2 of 4 stars). 2 submissions from 2 submitters: Uncertain significance (2). Last evaluated 2024-05-01.

Conditions:
Inborn genetic diseases. Identifiers: MedGen C0950123, MeSH D030342.

Submissions (2):

Labcorp Genetics (formerly Invitae), Labcorp
Classification: Uncertain significance. Last evaluated: 2024-05-01. Review status: criteria provided, single submitter. Criteria: Invitae Variant Classification Sherloc (09022015). Collection method: clinical testing. Allele origin: germline.
Comment: This sequence change replaces serine, which is neutral and polar, with leucine, which is neutral and non-polar, at codon 9 of the PPP2R1A protein (p.Ser9Leu). This variant is not present in population databases (gnomAD no frequency). This variant has not been reported in the literature in individuals affected with PPP2R1A-related conditions. Advanced modeling of protein sequence and biophysical properties (such as structural, functional, and spatial information, amino acid conservation, physicochemical variation, residue mobility, and thermodynamic stability) performed at Invitae indicates that this missense variant is expected to disrupt PPP2R1A protein function with a positive predictive value of 80%. In summary, the available evidence is currently insufficient to determine the role of this variant in disease. Therefore, it has been classified as a Variant of Uncertain Significance.

Ambry Genetics
Classification: Uncertain significance for Inborn genetic diseases. Last evaluated: 2023-12-06. Review status: criteria provided, single submitter. Criteria: Ambry Variant Classification Scheme 2023. Collection method: clinical testing. Allele origin: germline.